The following is an entry in ClinVar:

NM_201384.3(PLEC):c.12730C>G (p.Arg4244Gly)

Gene: PLEC (plectin; minus strand). Cytogenetic location: 8q24.3.
Variant type: single nucleotide variant.
Coding change: c.12730C>G on transcript NM_201384.3 (MANE Select); coding-DNA position 12730, C replaced by G.
Protein change: p.Arg4244Gly; replaces arginine 4244 with glycine.
Molecular consequence: missense variant.
Genome position (GRCh38, 1-based): chr8:143,917,091, G>C on the plus strand (C>G on the coding strand, the complement: PLEC is on the minus strand). VCF-style: chr8-143917091-G-C. GRCh37 (hg19) VCF-style: chr8-144991259-G-C.
Other names: c.9430C>G, p.Arg3144Gly (NM_001410941.1); c.12688C>G, p.Arg4230Gly (NM_201378.4); c.12664C>G, p.Arg4222Gly (NM_201379.3); c.13141C>G, p.Arg4381Gly (NM_201380.4); c.12634C>G, p.Arg4212Gly (NM_201381.3); c.12730C>G, p.Arg4244Gly (NM_201382.4); c.12742C>G, p.Arg4248Gly (NM_201383.3); c.12811C>G, p.Arg4271Gly (NM_000445.5); short protein forms R3144G, R4230G, R4244G, R4248G, R4212G, R4222G, R4271G, R4381G.
Identifiers: ClinVar variation 2947788 (VCV002947788.3), dbSNP rs373846655, ClinGen allele CA372479284.
Genomic context (GRCh38, chr8:143,917,091, plus strand): 5'-TGGAGACGGCGGGGCTGATGGGGTAGGAGGAGGAGGATCCCACCGAGGAGGAACGGGAGC[G>C]GAAACCACCGGCGTTGCCCGAGAGCATGTCGGCGAACTCGGTGATGGAGAGCGTGCCGGC-3'
Protein context (NP_958786.1, residues 4234-4254): DMLSGNAGGF[Arg4244Gly]SRSSSVGSSS

ClinVar aggregate classification (germline): Uncertain significance (1 of 4 stars; one submission).

Conditions:
Epidermolysis bullosa simplex with nail dystrophy (EBS5D). Identifiers: MedGen C4225309, MONDO:0014661, OMIM 616487.
Epidermolysis bullosa simplex, Ogna type (EBS5A). Also called: Pidermolysis bullosa simplex 5A, Ogna type; EPIDERMOLYSIS BULLOSA SIMPLEX 5A, OGNA TYPE. Identifiers: Orphanet 79401, MedGen C0432317, MONDO:0007555, OMIM 131950.
Autosomal recessive limb-girdle muscular dystrophy type 2Q (LGMDR17). Also called: MUSCULAR DYSTROPHY, LIMB-GIRDLE, AUTOSOMAL RECESSIVE 17. Identifiers: Orphanet 254361, MedGen C3150989, MONDO:0013390, OMIM 613723.
Epidermolysis bullosa simplex 5B, with muscular dystrophy (EBS5B). Also called: EPIDERMOLYSIS BULLOSA SIMPLEX AND LIMB-GIRDLE MUSCULAR DYSTROPHY; Epidermolysis bullosa simplex with muscular dystrophy. Identifiers: Orphanet 257, MedGen C2931072, MONDO:0009181, OMIM 226670.
Epidermolysis bullosa simplex 5C, with pyloric atresia (EBS5C). Also called: PLEC-Related Epidermolysis Bullosa with Pyloric Atresia; Epidermolysis bullosa simplex with pyloric atresia; PLEC1-Related Epidermolysis Bullosa with Pyloric Atresia. Identifiers: Orphanet 158684, MedGen C2677349, MONDO:0012807, OMIM 612138.

Submission:

Labcorp Genetics (formerly Invitae), Labcorp
Classification: Uncertain significance for Autosomal recessive limb-girdle muscular dystrophy type 2Q; Epidermolysis bullosa simplex, Ogna type; Epidermolysis bullosa simplex with nail dystrophy; Epidermolysis bullosa simplex 5C, with pyloric atresia; Epidermolysis bullosa simplex 5B, with muscular dystrophy. Last evaluated: 2023-09-17. Review status: criteria provided, single submitter. Criteria: Invitae Variant Classification Sherloc (09022015). Collection method: clinical testing. Allele origin: germline.
Comment: In summary, the available evidence is currently insufficient to determine the role of this variant in disease. Therefore, it has been classified as a Variant of Uncertain Significance. Advanced modeling of protein sequence and biophysical properties (such as structural, functional, and spatial information, amino acid conservation, physicochemical variation, residue mobility, and thermodynamic stability) performed at Invitae indicates that this missense variant is expected to disrupt PLEC protein function. This variant has not been reported in the literature in individuals affected with PLEC-related conditions. This variant is not present in population databases (gnomAD no frequency). This sequence change replaces arginine, which is basic and polar, with glycine, which is neutral and non-polar, at codon 4271 of the PLEC protein (p.Arg4271Gly).